The following is an entry in ClinVar:

NM_005219.5(DIAPH1):c.3748G>C (p.Val1250Leu)

Gene: DIAPH1 (diaphanous related formin 1; minus strand). Cytogenetic location: 5q31.3.
Variant type: single nucleotide variant.
Coding change: c.3748G>C on transcript NM_005219.5 (MANE Select); coding-DNA position 3748, G replaced by C.
Protein change: p.Val1250Leu; replaces valine 1250 with leucine.
Molecular consequence: missense variant. On other transcripts: 3 prime UTR variant (1).
Genome position (GRCh38, 1-based): chr5:141,516,922, C>G on the plus strand (G>C on the coding strand, the complement: DIAPH1 is on the minus strand). VCF-style: chr5-141516922-C-G. GRCh37 (hg19) VCF-style: chr5-140896489-C-G.
Other names: c.3721G>C, p.Val1241Leu (NM_001079812.3); c.*48G>C (NM_001314007.2); short protein forms V1241L, V1250L.
Identifiers: ClinVar variation 1392230 (VCV001392230.8), dbSNP rs1320235178, ClinGen allele CA361572214.
Genomic context (GRCh38, chr5:141,516,922, plus strand): 5'-GGCCAACCAACTCCTTGGCTTCCTCAAGGATTGTGGGGAATGTCTCACTGTTCTTGGACA[C>G]CTTGGCAGGAACAGCAGCCATGGCATCATCCTTGGTCAGCTCCGAAGCTAGCAGAGATGT-3'
Protein context (NP_005210.3, residues 1240-1260): DDAMAAVPAK[Val1250Leu]SKNSETFPTI

ClinVar aggregate classification (germline): Uncertain significance (1 of 4 stars; one submission).

Conditions:
Progressive microcephaly-seizures-cortical blindness-developmental delay syndrome. Also called: Seizures, cortical blindness, and microcephaly syndrome. Identifiers: Orphanet 477814, MedGen C5567650, MONDO:0014714, OMIM 616632.
Autosomal dominant nonsyndromic hearing loss 1. Also called: DEAFNESS, AUTOSOMAL DOMINANT 1, WITH OR WITHOUT THROMBOCYTOPENIA; KONIGSMARK SYNDROME. Identifiers: Orphanet 90635, MedGen C1852282, MONDO:0007424, OMIM 124900.

gnomAD v4.1: 1 of 1,614,124 alleles (0.000062%); highest among the groups gnomAD compares: African/African-American, 0.0013%; no homozygotes.

Submission:

Labcorp Genetics (formerly Invitae), Labcorp
Classification: Uncertain significance for Progressive microcephaly-seizures-cortical blindness-developmental delay syndrome; Autosomal dominant nonsyndromic hearing loss 1. Last evaluated: 2022-09-26. Review status: criteria provided, single submitter. Criteria: Invitae Variant Classification Sherloc (09022015). Collection method: clinical testing. Allele origin: germline.
Comment: This variant is not present in population databases (gnomAD no frequency). In summary, the available evidence is currently insufficient to determine the role of this variant in disease. Therefore, it has been classified as a Variant of Uncertain Significance. Algorithms developed to predict the effect of missense changes on protein structure and function output the following: SIFT: "Tolerated"; PolyPhen-2: "Benign"; Align-GVGD: "Class C0". The leucine amino acid residue is found in multiple mammalian species, which suggests that this missense change does not adversely affect protein function. ClinVar contains an entry for this variant (Variation ID: 1392230). This variant has not been reported in the literature in individuals affected with DIAPH1-related conditions. This sequence change replaces valine, which is neutral and non-polar, with leucine, which is neutral and non-polar, at codon 1250 of the DIAPH1 protein (p.Val1250Leu).